The following is an entry in ClinVar:

NM_001173464.2(KIF21A):c.503C>A (p.Ala168Glu)

Gene: KIF21A (kinesin family member 21A; minus strand). Cytogenetic location: 12q12.
Variant type: single nucleotide variant.
Coding change: c.503C>A on transcript NM_001173464.2 (MANE Select); coding-DNA position 503, C replaced by A.
Protein change: p.Ala168Glu; replaces alanine 168 with glutamic acid.
Molecular consequence: missense variant.
Genome position (GRCh38, 1-based): chr12:39,367,980, G>T on the plus strand (C>A on the coding strand, the complement: KIF21A is on the minus strand). VCF-style: chr12-39367980-G-T. GRCh37 (hg19) VCF-style: chr12-39761782-G-T.
Other names: c.503C>A, p.Ala168Glu (NM_001173463.2, NM_001173465.2, NM_001378439.1 and 3 more transcripts); short protein forms A168E.
Identifiers: ClinVar variation 3367822 (VCV003367822.1).
Genomic context (GRCh38, chr12:39,367,980, plus strand): 5'-ACAGTATAAATTCCTCCAGTTGAATCTTCATGAATTCTTATATTTGATTTTTTACTTTTT[G>T]CATCAATATCACGAGTGGTATCAAATAAGTCAAGGACCTCTTCATTATAGAGCTATCAAA-3'
Protein context (NP_001166935.1, residues 158-178): DLFDTTRDID[Ala168Glu]KSKKSNIRIH

ClinVar aggregate classification (germline): Uncertain significance (1 of 4 stars; one submission).

Submission:

GeneDx
Classification: Uncertain significance. Last evaluated: 2024-01-12. Review status: criteria provided, single submitter. Criteria: GeneDx Variant Classification Process June 2021. Collection method: clinical testing. Allele origin: germline. Affected: yes.
Comment: Not observed at significant frequency in large population cohorts (gnomAD); In silico analysis supports that this missense variant does not alter protein structure/function; Has not been previously published as pathogenic or benign to our knowledge